The following is an entry in ClinVar:

NM_020779.4(WDR35):c.2968A>G (p.Thr990Ala)

Gene: WDR35 (WD repeat domain 35; minus strand). Cytogenetic location: 2p24.1.
Variant type: single nucleotide variant.
Coding change: c.2968A>G on transcript NM_020779.4 (MANE Select); coding-DNA position 2968, A replaced by G.
Protein change: p.Thr990Ala; replaces threonine 990 with alanine.
Molecular consequence: missense variant.
Genome position (GRCh38, 1-based): chr2:19,930,549, T>C on the plus strand (A>G on the coding strand, the complement: WDR35 is on the minus strand). VCF-style: chr2-19930549-T-C. GRCh37 (hg19) VCF-style: chr2-20130310-T-C.
Other names: c.3001A>G, p.Thr1001Ala (NM_001006657.2); short protein forms T1001A, T990A.
Identifiers: ClinVar variation 968745 (VCV000968745.9), dbSNP rs1184414721, ClinGen allele CA345941769.

ClinVar aggregate classification (germline): Uncertain significance (1 of 4 stars; one submission).

Conditions:
Cranioectodermal dysplasia 2 (CED2). Identifiers: Orphanet 1515, MedGen C3150874, MONDO:0013323, OMIM 613610.
Short-rib thoracic dysplasia 7 with or without polydactyly (SRTD7). Also called: Short rib polydactyly syndrome 5; SHORT-RIB THORACIC DYSPLASIA 7 WITH POLYDACTYLY. Identifiers: Orphanet 498497, Orphanet 93271, MedGen C3279792, MONDO:0013569, OMIM 614091.

Allele frequency attached by ClinVar (database versions not stated): TOPMed 0.00001.
gnomAD v4.1: 2 of 1,613,972 alleles (0.00012%); highest among the groups gnomAD compares: Non-Finnish European, 0.00017%; no homozygotes.

Submission:

Labcorp Genetics (formerly Invitae), Labcorp
Classification: Uncertain significance for Cranioectodermal dysplasia 2; Short-rib thoracic dysplasia 7 with or without polydactyly. Last evaluated: 2019-10-26. Review status: criteria provided, single submitter. Criteria: Invitae Variant Classification Sherloc (09022015). Collection method: clinical testing. Allele origin: germline.
Comment: This variant is not present in population databases (ExAC no frequency). In summary, the available evidence is currently insufficient to determine the role of this variant in disease. Therefore, it has been classified as a Variant of Uncertain Significance. Algorithms developed to predict the effect of missense changes on protein structure and function (SIFT, PolyPhen-2, Align-GVGD) all suggest that this variant is likely to be tolerated, but these predictions have not been confirmed by published functional studies and their clinical significance is uncertain. This variant has not been reported in the literature in individuals with WDR35-related conditions. This sequence change replaces threonine with alanine at codon 1001 of the WDR35 protein (p.Thr1001Ala). The threonine residue is moderately conserved and there is a small physicochemical difference between threonine and alanine.